The following is an entry in ClinVar:

NM_001379500.1(COL18A1):c.2340G>C (p.Gln780His)

Gene: COL18A1 (collagen type XVIII alpha 1 chain; plus strand). Cytogenetic location: 21q22.3.
Variant type: single nucleotide variant.
Coding change: c.2340G>C on transcript NM_001379500.1 (MANE Select); coding-DNA position 2340, G replaced by C.
Protein change: p.Gln780His; replaces glutamine 780 with histidine.
Molecular consequence: missense variant.
Genome position (GRCh38, 1-based): chr21:45,493,563, G>C. VCF-style: chr21-45493563-G-C. GRCh37 (hg19) VCF-style: chr21-46913477-G-C.
Other names: NM_130445.2:c.2340G>C; c.2880G>C, p.Gln960His (NM_030582.4); c.3585G>C, p.Gln1195His (NM_130444.3); short protein forms Q960H, Q1195H.
Identifiers: ClinVar variation 340242 (VCV000340242.18), dbSNP rs2230693, ClinGen allele CA10066989.

ClinVar aggregate classification (germline): Benign. Review status: criteria provided, multiple submitters, no conflicts (2 of 4 stars). 7 submissions from 7 submitters: Benign (5). 2 of the submissions do not count toward it. Last evaluated 2026-02-03.

Conditions:
Knobloch syndrome (KNO). Also called: RETINAL DETACHMENT AND OCCIPITAL ENCEPHALOCELE; Myopia retinal detachment encephalocele. Identifiers: Orphanet 1571, MedGen C1849409, MONDO:0800166.

Allele frequency attached by ClinVar (database versions not stated): gnomAD exomes 0.01298 and 0.02153; ESP Exome Variant Server 0.02801; gnomAD 0.03222 and 0.03336; TOPMed 0.03563; ExAC 0.03674; 1000 Genomes Project 30x 0.05918; 1000 Genomes Project 0.06310.
gnomAD v4.1: 23,577 of 1,554,914 alleles (1.5%); highest among the groups gnomAD compares: East Asian, 13%; 896 homozygotes.

Submissions (7):

Labcorp Genetics (formerly Invitae), Labcorp
Classification: Benign. Last evaluated: 2026-02-03. Review status: criteria provided, single submitter. Criteria: Invitae Variant Classification Sherloc (09022015). Collection method: clinical testing. Allele origin: germline.

Athena Diagnostics
Classification: Benign. Last evaluated: 2024-02-12. Review status: criteria provided, single submitter. Criteria: Athena Diagnostics Criteria. Collection method: clinical testing. Allele origin: unknown.

GeneDx
Classification: Benign. Last evaluated: 2021-05-04. Review status: criteria provided, single submitter. Criteria: GeneDx Variant Classification Process June 2021. Collection method: clinical testing. Allele origin: germline. Affected: yes.

Illumina Laboratory Services, Illumina
Classification: Benign for Knobloch syndrome 1. Last evaluated: 2018-01-13. Review status: criteria provided, single submitter. Criteria: ICSL Variant Classification Criteria 13 December 2019. Collection method: clinical testing. Allele origin: germline.
Comment: This variant was observed in the ICSL laboratory as part of a predisposition screen in an ostensibly healthy population. It had not been previously curated by ICSL or reported in the Human Gene Mutation Database (HGMD: prior to June 1st, 2018), and was therefore a candidate for classification through an automated scoring system. Utilizing variant allele frequency, disease prevalence and penetrance estimates, and inheritance mode, an automated score was calculated to assess if this variant is too frequent to cause the disease. Based on the score and internal cut-off values, a variant classified as benign is not then subjected to further curation. The score for this variant resulted in a classification of benign for this disease.

Breakthrough Genomics
Classification: Benign. Review status: criteria provided, single submitter. Criteria: ACMG Guidelines, 2015. Collection method: not provided. Allele origin: germline. Inheritance: Autosomal recessive inheritance. Affected: yes.

Clinical Genetics DNA and cytogenetics Diagnostics Lab, Erasmus MC, Erasmus Medical Center
Classification: Benign. Review status: no assertion criteria provided. Collection method: clinical testing. Allele origin: germline. Affected: yes. Study: VKGL Data-share Consensus. Not counted in ClinVar's aggregate classification.

Laboratory of Diagnostic Genome Analysis, Leiden University Medical Center (LUMC)
Classification: Likely benign. Review status: no assertion criteria provided. Collection method: clinical testing. Allele origin: germline. Affected: yes. Study: VKGL Data-share Consensus. Not counted in ClinVar's aggregate classification.